The following is an entry in ClinVar:

NM_005660.3(SLC35A2):c.200C>T (p.Ala67Val)

Gene: SLC35A2 (solute carrier family 35 member A2; minus strand). Cytogenetic location: Xp11.23.
Variant type: single nucleotide variant.
Coding change: c.200C>T on transcript NM_005660.3 (MANE Select); coding-DNA position 200, C replaced by T.
Protein change: p.Ala67Val; replaces alanine 67 with valine.
Molecular consequence: missense variant. On other transcripts: intron variant (1).
Genome position (GRCh38, 1-based): chrX:48,909,888, G>A on the plus strand (C>T on the coding strand, the complement: SLC35A2 is on the minus strand). VCF-style: chrX-48909888-G-A. GRCh37 (hg19) VCF-style: chrX-48767165-G-A.
Other names: c.239C>T, p.Ala80Val (NM_001282650.2); c.284C>T, p.Ala95Val (NM_001282651.2); c.200C>T, p.Ala67Val (NM_001032289.3, NM_001042498.3, NM_001282647.2); c.128C>T, p.Ala43Val (NM_001282648.2); c.91+1658C>T (NM_001282649.2); short protein forms A67V, A95V, A43V, A80V.
Identifiers: ClinVar variation 3014887 (VCV003014887.3), dbSNP rs2519660682, ClinGen allele CA412897735.
Genomic context (GRCh38, chrX:48,909,888, plus strand): 5'-AAGAGCAGCAGCAGGCAGGTGAGACCTTTGAGCACTTCCGCCATGACCACAGCAGTGGTG[G>A]CAAAGAAGCGGTCCCCTGGCAACGTGCGGGCGTAGCGGATGCTGAGGATGAGGGAGGCAT-3'
Protein context (NP_005651.1, residues 57-77): ARTLPGDRFF[Ala67Val]TTAVVMAEVL

ClinVar aggregate classification (germline): Uncertain significance (1 of 4 stars; one submission).

Conditions:
SLC35A2-congenital disorder of glycosylation. Also called: SLC35A2-CDG; CONGENITAL DISORDER OF GLYCOSYLATION, TYPE IIm; CDG IIm; CONGENITAL DISORDER OF GLYCOSYLATION, TYPE IIm, SOMATIC MOSAIC; EPILEPTIC ENCEPHALOPATHY, EARLY INFANTILE, 22; DEVELOPMENTAL AND EPILEPTIC ENCEPHALOPATHY 22. Identifiers: Orphanet 356961, MedGen C3806688, MONDO:0010478, OMIM 300896.

Allele frequency attached by ClinVar (database versions not stated): gnomAD exomes below 0.00001.
gnomAD v4.1: 1 of 1,209,603 alleles (0.000083%); highest among the groups gnomAD compares: Non-Finnish European, 0.00011%; no homozygotes.

Submission:

Labcorp Genetics (formerly Invitae), Labcorp
Classification: Uncertain significance for SLC35A2-congenital disorder of glycosylation. Last evaluated: 2023-01-02. Review status: criteria provided, single submitter. Criteria: Invitae Variant Classification Sherloc (09022015). Collection method: clinical testing. Allele origin: germline.
Comment: This sequence change replaces alanine, which is neutral and non-polar, with valine, which is neutral and non-polar, at codon 67 of the SLC35A2 protein (p.Ala67Val). This variant has not been reported in the literature in individuals affected with SLC35A2-related conditions. This variant is not present in population databases (gnomAD no frequency). In summary, the available evidence is currently insufficient to determine the role of this variant in disease. Therefore, it has been classified as a Variant of Uncertain Significance. Advanced modeling of protein sequence and biophysical properties (such as structural, functional, and spatial information, amino acid conservation, physicochemical variation, residue mobility, and thermodynamic stability) has been performed at Invitae for this missense variant, however the output from this modeling did not meet the statistical confidence thresholds required to predict the impact of this variant on SLC35A2 protein function.